The following is an entry in ClinVar:

NM_001042492.3(NF1):c.8471A>G (p.Gln2824Arg)

Gene: NF1 (neurofibromin 1; plus strand). Cytogenetic location: 17q11.2.
Variant type: single nucleotide variant.
Coding change: c.8471A>G on transcript NM_001042492.3 (MANE Select); coding-DNA position 8471, A replaced by G.
Protein change: p.Gln2824Arg; replaces glutamine 2824 with arginine.
Molecular consequence: missense variant.
Genome position (GRCh38, 1-based): chr17:31,374,106, A>G. VCF-style: chr17-31374106-A-G. GRCh37 (hg19) VCF-style: chr17-29701124-A-G.
Other names: c.8408A>G, p.Gln2803Arg (NM_000267.4); short protein forms Q2824R, Q2803R.
Identifiers: ClinVar variation 2875305 (VCV002875305.9), dbSNP rs2151601532, ClinGen allele CA399206047.
Genomic context (GRCh38, chr17:31,374,106, plus strand): 5'-CCACTGGCCACTGTAACAGTGGACGAACTCGCCACGGATCCGCAAGCCAAGTGCAGAAGC[A>G]AAGAAGCGCTGGCAGTTTCAAACGTAATAGCATTAAGAAGATCGTGTGAAGCTTGCTTGC-3'
Protein context (NP_001035957.1, residues 2814-2834): RHGSASQVQK[Gln2824Arg]RSAGSFKRNS

ClinVar aggregate classification (germline): Uncertain significance. Review status: criteria provided, multiple submitters, no conflicts (2 of 4 stars). 3 submissions from 3 submitters: Uncertain significance (3). Last evaluated 2025-10-01.

Conditions:
Neurofibromatosis, type 1 (NF1). Also called: VON RECKLINGHAUSEN DISEASE; Peripheral type neurofibromatosis; NEUROFIBROMATOSIS, TYPE I, SOMATIC; Neurofibromatosis, type I. Identifiers: Orphanet 636, MedGen C0027831, MONDO:0018975, OMIM 162200. Disease mechanism: loss of function.
Hereditary cancer-predisposing syndrome. Also called: Hereditary Cancer Syndrome; Hereditary neoplastic syndrome; Neoplastic Syndromes, Hereditary; Tumor predisposition. Identifiers: Orphanet 140162, MedGen C0027672, MeSH D009386, MONDO:0015356.
Cardiovascular phenotype. Identifiers: MedGen CN230736.

Submissions (3):

CeGaT Center for Human Genetics Tuebingen
Classification: Uncertain significance. Last evaluated: 2025-10-01. Review status: criteria provided, single submitter. Criteria: CeGaT Center For Human Genetics Tuebingen Variant Classification Criteria Version 2. Collection method: clinical testing. Allele origin: germline. Affected: yes. Observed: 1 variant allele.
Comment: NF1: PM2

Ambry Genetics
Classification: Uncertain significance for Cardiovascular phenotype; Hereditary cancer-predisposing syndrome. Last evaluated: 2025-09-28. Review status: criteria provided, single submitter. Criteria: Ambry Variant Classification Scheme 2023. Collection method: clinical testing. Allele origin: germline.
Comment: The p.Q2803R variant (also known as c.8408A>G), located in coding exon 57 of the NF1 gene, results from an A to G substitution at nucleotide position 8408. The glutamine at codon 2803 is replaced by arginine, an amino acid with highly similar properties. This amino acid position is conserved. In addition, the in silico prediction for this alteration is inconclusive. Based on the available evidence, the clinical significance of this variant remains unclear.

Labcorp Genetics (formerly Invitae), Labcorp
Classification: Uncertain significance for Neurofibromatosis, type 1. Last evaluated: 2024-02-01. Review status: criteria provided, single submitter. Criteria: Invitae Variant Classification Sherloc (09022015). Collection method: clinical testing. Allele origin: germline.
Comment: This sequence change replaces glutamine, which is neutral and polar, with arginine, which is basic and polar, at codon 2803 of the NF1 protein (p.Gln2803Arg). This variant is not present in population databases (gnomAD no frequency). This variant has not been reported in the literature in individuals affected with NF1-related conditions. Advanced modeling of protein sequence and biophysical properties (such as structural, functional, and spatial information, amino acid conservation, physicochemical variation, residue mobility, and thermodynamic stability) has been performed at Invitae for this missense variant, however the output from this modeling did not meet the statistical confidence thresholds required to predict the impact of this variant on NF1 protein function. In summary, the available evidence is currently insufficient to determine the role of this variant in disease. Therefore, it has been classified as a Variant of Uncertain Significance.